The following is an entry in ClinVar:

NM_182710.3(KAT5):c.1568A>G (p.Lys523Arg)

Genes: KAT5 (lysine acetyltransferase 5; plus strand), RNASEH2C (ribonuclease H2 subunit C; minus strand). Cytogenetic location: 11q13.1.
Variant type: single nucleotide variant.
Coding change: c.1568A>G on transcript NM_182710.3 (MANE Select); coding-DNA position 1568, A replaced by G.
Protein change: p.Lys523Arg; replaces lysine 523 with arginine.
Molecular consequence: missense variant. On other transcripts: 3 prime UTR variant (1).
Genome position (GRCh38, 1-based): chr11:65,719,108, A>G. VCF-style: chr11-65719108-A-G. GRCh37 (hg19) VCF-style: chr11-65486579-A-G.
Other names: c.1412A>G, p.Lys471Arg (NM_001206833.2); c.1469A>G, p.Lys490Arg (NM_006388.4); c.1313A>G, p.Lys438Arg (NM_182709.3); c.*675T>C (NM_032193.4); short protein forms K438R, K471R, K490R, K523R.
Identifiers: ClinVar variation 1334728 (VCV001334728.4), dbSNP rs1332750183, ClinGen allele CA381292495.

ClinVar aggregate classification (germline): Uncertain significance (1 of 4 stars; one submission).

Allele frequency attached by ClinVar (database versions not stated): gnomAD 0.00001; TOPMed 0.00001.
gnomAD v4.1: 2 of 1,614,072 alleles (0.00012%); highest among the groups gnomAD compares: African/African-American, 0.0027%; no homozygotes.

Submission:

Greenwood Genetic Center Diagnostic Laboratories, Greenwood Genetic Center
Classification: Uncertain significance. Last evaluated: 2021-12-29. Review status: criteria provided, single submitter. Criteria: ACMG Guidelines, 2015. Collection method: clinical testing. Allele origin: germline. Affected: yes.
Comment: PP2, PM1, PM2